The following is an entry in ClinVar:

ClinVar aggregate classification (germline): Uncertain significance (1 of 4 stars; one submission).

Allele frequency attached by ClinVar (database versions not stated): TOPMed 0.00001; gnomAD exomes 0.00002; ExAC 0.00003; gnomAD 0.00003; 1000 Genomes Project 0.00020.
gnomAD v4.1: 27 of 1,611,768 alleles (0.0017%); highest among the groups gnomAD compares: Admixed American, 0.0033%; no homozygotes.

Submission:

Labcorp Genetics (formerly Invitae), Labcorp
Classification: Uncertain significance. Last evaluated: 2024-02-24. Review status: criteria provided, single submitter. Criteria: Invitae Variant Classification Sherloc (09022015). Collection method: clinical testing. Allele origin: germline.
Comment: This sequence change replaces arginine, which is basic and polar, with cysteine, which is neutral and slightly polar, at codon 128 of the NDUFA13 protein (p.Arg128Cys). This variant is present in population databases (rs529360602, gnomAD 0.006%). This missense change has been observed in individual(s) with autism spectrum disorder (PMID: 35982159, 35982160). This variant is also known as 19:19528073:C:T or 19:19638882:C:T. ClinVar contains an entry for this variant (Variation ID: 1922998). An algorithm developed to predict the effect of missense changes on protein structure and function (PolyPhen-2) suggests that this variant is likely to be tolerated. In summary, the available evidence is currently insufficient to determine the role of this variant in disease. Therefore, it has been classified as a Variant of Uncertain Significance.

Literature cited by the submitters: PubMed 35982159; PubMed 35982160.

NM_015965.7(NDUFA13):c.382C>T (p.Arg128Cys)

Gene: NDUFA13 (NADH:ubiquinone oxidoreductase subunit A13; plus strand). Cytogenetic location: 19p13.11.
Variant type: single nucleotide variant.
Coding change: c.382C>T on transcript NM_015965.7 (MANE Select); coding-DNA position 382, C replaced by T.
Protein change: p.Arg128Cys; replaces arginine 128 with cysteine.
Molecular consequence: missense variant.
Genome position (GRCh38, 1-based): chr19:19,528,073, C>T. VCF-style: chr19-19528073-C-T. GRCh37 (hg19) VCF-style: chr19-19638882-C-T.
Other names: short protein forms R128C.
Identifiers: ClinVar variation 1922998 (VCV001922998.4), dbSNP rs529360602, ClinGen allele CA9327853.
Genomic context (GRCh38, chr19:19,528,073, plus strand): 5'-GAGTCTGTGTTCCACACAACCCGCTGGGTGCCCCCCTTGATCGGGGAGCTGTACGGGCTG[C>T]GCACCACAGAGGAGGCTCTCCATGCCAGCCACGGCTTCATGTGGTACACGTAGGCCCTGT-3'
Protein context (NP_057049.5, residues 118-138): PPLIGELYGL[Arg128Cys]TTEEALHASH